The following is an entry in ClinVar:

ClinVar aggregate classification (germline): Uncertain significance (1 of 4 stars; one submission).

Conditions:
Inborn genetic diseases. Identifiers: MedGen C0950123, MeSH D030342.

Allele frequency attached by ClinVar (database versions not stated): gnomAD 0.00001; TOPMed 0.00002.
gnomAD v4.1: 3 of 1,614,016 alleles (0.00019%); highest among the groups gnomAD compares: Non-Finnish European, 0.000085%; no homozygotes.

Submission:

Ambry Genetics
Classification: Uncertain significance for Inborn genetic diseases. Last evaluated: 2023-07-28. Review status: criteria provided, single submitter. Criteria: Ambry Variant Classification Scheme 2023. Collection method: clinical testing. Allele origin: germline.
Comment: The p.K596T variant (also known as c.1787A>C), located in coding exon 12 of the EPAS1 gene, results from an A to C substitution at nucleotide position 1787. The lysine at codon 596 is replaced by threonine, an amino acid with similar properties. This amino acid position is conserved. In addition, this alteration is predicted to be tolerated by in silico analysis. Since supporting evidence is limited at this time, the clinical significance of this alteration remains unclear.

NM_001430.5(EPAS1):c.1787A>C (p.Lys596Thr)

Gene: EPAS1 (endothelial PAS domain protein 1; plus strand). Cytogenetic location: 2p21.
Variant type: single nucleotide variant.
Coding change: c.1787A>C on transcript NM_001430.5 (MANE Select); coding-DNA position 1787, A replaced by C.
Protein change: p.Lys596Thr; replaces lysine 596 with threonine.
Molecular consequence: missense variant.
Genome position (GRCh38, 1-based): chr2:46,380,459, A>C. VCF-style: chr2-46380459-A-C. GRCh37 (hg19) VCF-style: chr2-46607598-A-C.
Other names: short protein forms K596T.
Identifiers: ClinVar variation 2588604 (VCV002588604.2), dbSNP rs1189574595, ClinGen allele CA346704886.